The following is an entry in ClinVar:

NM_001145809.2(MYH14):c.1229G>A (p.Arg410His)

Gene: MYH14 (myosin heavy chain 14; plus strand). Cytogenetic location: 19q13.33.
Variant type: single nucleotide variant.
Coding change: c.1229G>A on transcript NM_001145809.2 (MANE Select); coding-DNA position 1229, G replaced by A.
Protein change: p.Arg410His; replaces arginine 410 with histidine.
Molecular consequence: missense variant.
Genome position (GRCh38, 1-based): chr19:50,247,022, G>A. VCF-style: chr19-50247022-G-A. GRCh37 (hg19) VCF-style: chr19-50750279-G-A.
Other names: c.1229G>A (NM_001145809.1); c.1229G>A, p.Arg410His (NM_001077186.2); c.1205G>A, p.Arg402His (NM_024729.4); short protein forms R402H, R410H.
Identifiers: ClinVar variation 892797 (VCV000892797.36), dbSNP rs374720181, ClinGen allele CA9592568.
Genomic context (GRCh38, chr19:50,247,022, plus strand): 5'-TCTTCCCAGTGCTGATGGAATCTTGGTGCCTCTCGCCCTCAGCTGCACAGAAGCTCTGCC[G>A]CCTCTTGGGACTGGGGGTGACGGATTTCTCCCGAGCCTTGCTCACCCCTCGCATCAAAGT-3'
Protein context (NP_001139281.1, residues 400-420): PDNTAAQKLC[Arg410His]LLGLGVTDFS

ClinVar aggregate classification (germline): Conflicting classifications of pathogenicity. Review status: criteria provided, conflicting classifications (1 of 4 stars). 7 submissions from 7 submitters: Uncertain significance (5); Likely benign (2). Last evaluated 2026-07-05.

Conditions:
Inborn genetic diseases. Identifiers: MedGen C0950123, MeSH D030342.
MYH14-related disorder. Also called: MYH14-related condition.
Autosomal dominant nonsyndromic hearing loss 4A. Also called: Deafness, autosomal dominant 4A. Identifiers: Orphanet 90635, MedGen C1833503, MONDO:0010915, OMIM 600652.

Allele frequency attached by ClinVar (database versions not stated): ExAC 0.00006; ESP Exome Variant Server 0.00008; gnomAD exomes 0.00008; TOPMed 0.00009; gnomAD 0.00012 and 0.00013.
gnomAD v4.1: 151 of 1,612,056 alleles (0.0094%); highest among the groups gnomAD compares: Non-Finnish European, 0.012%; no homozygotes.

Submissions (7):

PreventionGenetics, part of Exact Sciences
Classification: Uncertain significance for MYH14-related condition. Last evaluated: 2026-07-05. Review status: criteria provided, single submitter. Criteria: ACMG Guidelines, 2015. Collection method: clinical testing. Allele origin: germline.
Comment: The MYH14 c.1229G>A variant is predicted to result in the amino acid substitution p.Arg410His. To our knowledge, this variant has not been reported in the literature. This variant is reported in 0.014% of alleles in individuals of European (Non-Finnish) descent in gnomAD. Although we suspect that this variant may be benign, at this time, the clinical significance of this variant is uncertain due to the absence of conclusive functional and genetic evidence.

Labcorp Genetics (formerly Invitae), Labcorp
Classification: Uncertain significance. Last evaluated: 2026-01-04. Review status: criteria provided, single submitter. Criteria: Invitae Variant Classification Sherloc (09022015). Collection method: clinical testing. Allele origin: germline.
Comment: This sequence change replaces arginine, which is basic and polar, with histidine, which is basic and polar, at codon 402 of the MYH14 protein (p.Arg402His). This variant is present in population databases (rs374720181, gnomAD 0.01%). This variant has not been reported in the literature in individuals affected with MYH14-related conditions. ClinVar contains an entry for this variant (Variation ID: 892797). An algorithm developed to predict the effect of missense changes on protein structure and function outputs the following: PolyPhen-2: "Benign". The histidine amino acid residue is found in multiple mammalian species, which suggests that this missense change does not adversely affect protein function. In summary, the available evidence is currently insufficient to determine the role of this variant in disease. Therefore, it has been classified as a Variant of Uncertain Significance.

Ambry Genetics
Classification: Uncertain significance for Inborn genetic diseases. Last evaluated: 2025-08-25. Review status: criteria provided, single submitter. Criteria: Ambry Variant Classification Scheme 2023. Collection method: clinical testing. Allele origin: germline.

Blueprint Genetics
Classification: Likely benign. Last evaluated: 2024-09-12. Review status: criteria provided, single submitter. Criteria: ACMG Guidelines, 2015. Collection method: clinical testing. Allele origin: germline.

CeGaT Center for Human Genetics Tuebingen
Classification: Likely benign. Last evaluated: 2023-10-01. Review status: criteria provided, single submitter. Criteria: CeGaT Center For Human Genetics Tuebingen Variant Classification Criteria Version 2. Collection method: clinical testing. Allele origin: germline. Affected: yes. Observed: 1 variant allele.
Comment: MYH14: BP4

GeneDx
Classification: Uncertain significance. Last evaluated: 2020-09-11. Review status: criteria provided, single submitter. Criteria: GeneDx Variant Classification Process June 2021. Collection method: clinical testing. Allele origin: germline. Affected: yes.
Comment: In silico analysis supports that this missense variant does not alter protein structure/function; Has not been previously published as pathogenic or benign to our knowledge

Illumina Laboratory Services, Illumina
Classification: Uncertain significance for Autosomal dominant nonsyndromic hearing loss 4A. Last evaluated: 2018-01-13. Review status: criteria provided, single submitter. Criteria: ICSL Variant Classification Criteria 13 December 2019. Collection method: clinical testing. Allele origin: germline.